The following is an entry in ClinVar:

Conditions:
Long QT syndrome 5 (LQT5). Identifiers: Orphanet 101016, Orphanet 768, MedGen C1867904, MONDO:0013372, OMIM 613695.

Submission:

Roden Lab, Vanderbilt University Medical Center
No classification provided (evidence only). Condition: Long QT syndrome 5. Review status: no classification provided. Collection method: in vitro. Allele origin: not applicable. Functional consequence: Effect on ion channel function.
ClinVar note: "not provided" was previously submitted as the classification for the variant. However, the classification appeared to be based only on an observation of functional data so it was converted to no classification on 2025-07-30.

NM_000219.6(KCNE1):c.382T>A (p.Ser128Thr)

Gene: KCNE1 (potassium voltage-gated channel subfamily E regulatory subunit 1; minus strand). Cytogenetic location: 21q22.12.
Variant type: single nucleotide variant.
Coding change: c.382T>A on transcript NM_000219.6 (MANE Select); coding-DNA position 382, T replaced by A.
Protein change: p.Ser128Thr; replaces serine 128 with threonine.
Molecular consequence: missense variant.
Genome position (GRCh38, 1-based): chr21:34,449,253, A>T on the plus strand (T>A on the coding strand, the complement: KCNE1 is on the minus strand). VCF-style: chr21-34449253-A-T. GRCh37 (hg19) VCF-style: chr21-35821551-A-T.
Other names: c.382T>A, p.Ser128Thr (NM_001127668.4, NM_001127669.4, NM_001127670.4 and 4 more transcripts); short protein forms S128T.
Identifiers: ClinVar variation 3373873 (VCV003373873.2).